The following is an entry in ClinVar:

NM_152513.4(MEI1):c.2303G>A (p.Gly768Asp)

Gene: MEI1 (meiotic double-stranded break formation protein 1; plus strand). Cytogenetic location: 22q13.2.
Variant type: single nucleotide variant.
Coding change: c.2303G>A on transcript NM_152513.4 (MANE Select); coding-DNA position 2303, G replaced by A.
Protein change: p.Gly768Asp; replaces glycine 768 with aspartic acid.
Molecular consequence: missense variant.
Genome position (GRCh38, 1-based): chr22:41,770,720, G>A. VCF-style: chr22-41770720-G-A. GRCh37 (hg19) VCF-style: chr22-42166724-G-A.
Other names: short protein forms G768D.
Identifiers: ClinVar variation 778954 (VCV000778954.6), dbSNP rs61737623, ClinGen allele CA10260499.

ClinVar aggregate classification (germline): Benign. Review status: criteria provided, multiple submitters, no conflicts (2 of 4 stars). 3 submissions from 3 submitters: Benign (2). 1 of the submissions does not count toward it. Last evaluated 2018-09-11.

Conditions:
MEI1-related disorder. Also called: MEI1-related condition.

Allele frequency attached by ClinVar (database versions not stated): gnomAD 0.01739 and 0.01825; ESP Exome Variant Server 0.01791; TOPMed 0.01966; 1000 Genomes Project 0.02017; 1000 Genomes Project 30x 0.02186.
gnomAD v4.1: 5,926 of 1,613,782 alleles (0.37%); highest among the groups gnomAD compares: African/African-American, 6.1%; 165 homozygotes.

Submissions (3):

Labcorp Genetics (formerly Invitae), Labcorp
Classification: Benign. Last evaluated: 2018-09-11. Review status: criteria provided, single submitter. Criteria: Invitae Variant Classification Sherloc (09022015). Collection method: clinical testing. Allele origin: germline.

Breakthrough Genomics
Classification: Benign. Review status: criteria provided, single submitter. Criteria: ACMG Guidelines, 2015. Collection method: not provided. Allele origin: germline. Inheritance: Autosomal recessive inheritance. Affected: yes.

PreventionGenetics, part of Exact Sciences
Classification: Likely benign for MEI1-related condition. Last evaluated: 2019-02-28. Review status: no assertion criteria provided. Collection method: clinical testing. Allele origin: germline. Not counted in ClinVar's aggregate classification.
Comment: This variant is classified as likely benign based on ACMG/AMP sequence variant interpretation guidelines (Richards et al. 2015 PMID: 25741868, with internal and published modifications).